The following is an entry in ClinVar:

NM_172201.2(KCNE2):c.2T>C (p.Met1Thr)

Genes: KCNE2 (potassium voltage-gated channel subfamily E regulatory subunit 2; plus strand), LOC105372791 (uncharacterized LOC105372791; minus strand). Cytogenetic location: 21q22.11.
Variant type: single nucleotide variant.
Coding change: c.2T>C on transcript NM_172201.2 (MANE Select); coding-DNA position 2, T replaced by C.
Protein change: p.Met1Thr; changes the start codon (methionine 1).
Molecular consequence: missense variant, initiator codon variant.
Genome position (GRCh38, 1-based): chr21:34,370,480, T>C. VCF-style: chr21-34370480-T-C. GRCh37 (hg19) VCF-style: chr21-35742779-T-C.
Other names: short protein forms M1T.
Identifiers: ClinVar variation 659161 (VCV000659161.4), dbSNP rs867658122, ClinGen allele CA320365710.

ClinVar aggregate classification (germline): Uncertain significance. Review status: criteria provided, multiple submitters, no conflicts (2 of 4 stars). 2 submissions from 2 submitters: Uncertain significance (2). Last evaluated 2021-08-03.

Conditions:
Atrial fibrillation, familial, 4 (ATFB4). Identifiers: MedGen C1862394, MONDO:0012677, OMIM 611493.
Long QT syndrome 6 (LQT6). Identifiers: Orphanet 101016, Orphanet 768, MedGen C3150953, MONDO:0013370, OMIM 613693.

Allele frequency attached by ClinVar (database versions not stated): TOPMed below 0.00001; gnomAD 0.00001.

Submissions (2):

Fulgent Genetics
Classification: Uncertain significance for Atrial fibrillation, familial, 4; Long QT syndrome 6. Last evaluated: 2021-08-03. Review status: criteria provided, single submitter. Criteria: ACMG Guidelines, 2015. Collection method: clinical testing. Allele origin: unknown.

Labcorp Genetics (formerly Invitae), Labcorp
Classification: Uncertain significance for Long QT syndrome 6. Last evaluated: 2019-06-28. Review status: criteria provided, single submitter. Criteria: Invitae Variant Classification Sherloc (09022015). Collection method: clinical testing. Allele origin: germline.
Comment: This sequence change affects the initiator methionine of the KCNE2 mRNA. The next in-frame methionine is located at codon 23. This variant is not present in population databases (ExAC no frequency). This variant has not been reported in the literature in individuals with KCNE2-related disease. The current clinical and genetic evidence is not sufficient to establish whether loss-of-function variants in KCNE2 cause disease. In summary, the available evidence is currently insufficient to determine the role of this variant in disease. Therefore, it has been classified as a Variant of Uncertain Significance.